The following is an entry in ClinVar:

ClinVar aggregate classification (germline): Uncertain significance (1 of 4 stars; one submission).

gnomAD v4.1: 9 of 1,205,848 alleles (0.00075%); highest among the groups gnomAD compares: Non-Finnish European, 0.001%; no homozygotes.

Submission:

GeneDx
Classification: Uncertain significance. Last evaluated: 2022-04-06. Review status: criteria provided, single submitter. Criteria: GeneDx Variant Classification Process June 2021. Collection method: clinical testing. Allele origin: germline. Affected: yes.
Comment: Not observed at significant frequency in large population cohorts (gnomAD); In silico analysis supports that this missense variant does not alter protein structure/function; Has not been previously published as pathogenic or benign to our knowledge

NM_001039591.3(USP9X):c.724A>G (p.Ile242Val)

Gene: USP9X (ubiquitin specific peptidase 9 X-linked; plus strand). Cytogenetic location: Xp11.4.
Variant type: single nucleotide variant.
Coding change: c.724A>G on transcript NM_001039591.3 (MANE Select); coding-DNA position 724, A replaced by G.
Protein change: p.Ile242Val; replaces isoleucine 242 with valine.
Molecular consequence: missense variant.
Genome position (GRCh38, 1-based): chrX:41,140,725, A>G. VCF-style: chrX-41140725-A-G. GRCh37 (hg19) VCF-style: chrX-40999978-A-G.
Other names: c.724A>G, p.Ile242Val (NM_001039590.3, NM_001410748.1, NM_001410749.1); short protein forms I242V.
Identifiers: ClinVar variation 1708869 (VCV001708869.2), dbSNP rs757553294, ClinGen allele CA329013491.